The following is an entry in ClinVar:

NM_182961.4(SYNE1):c.22042C>G (p.Gln7348Glu)

Gene: SYNE1 (spectrin repeat containing nuclear envelope protein 1; minus strand). Cytogenetic location: 6q25.2.
Variant type: single nucleotide variant.
Coding change: c.22042C>G on transcript NM_182961.4 (MANE Select); coding-DNA position 22042, C replaced by G.
Protein change: p.Gln7348Glu; replaces glutamine 7348 with glutamic acid.
Molecular consequence: missense variant.
Genome position (GRCh38, 1-based): chr6:152,219,005, G>C on the plus strand (C>G on the coding strand, the complement: SYNE1 is on the minus strand). VCF-style: chr6-152219005-G-C. GRCh37 (hg19) VCF-style: chr6-152540140-G-C.
Other names: c.21829C>G, p.Gln7277Glu (NM_033071.5); short protein forms Q7277E, Q7348E.
Identifiers: ClinVar variation 984605 (VCV000984605.6), dbSNP rs2079430530, ClinGen allele CA366102933.
Genomic context (GRCh38, chr6:152,219,005, plus strand): 5'-GTGCCCAGATATTAGAGAACAGCCAATATACAGAAGATACTAAATAGGAGCTCTGTACCT[G>C]TAATGAAGTCTGCTGTTTGCAGAGAGCTTGCTCCAGGGCACACAAGTGTTGACTCAAAGA-3'
Protein context (NP_892006.3, residues 7338-7358): QALCKQQTSL[Gln7348Glu]AGVLDYETFA

ClinVar aggregate classification (germline): Uncertain significance. Review status: criteria provided, single submitter (1 of 4 stars). 2 submissions from 2 submitters: Uncertain significance (1). 1 of the submissions does not count toward it. Last evaluated 2023-07-17.

Conditions:
Autosomal recessive ataxia, Beauce type. Also called: Spinocerebellar ataxia, autosomal recessive 8; ATAXIA, RECESSIVE, OF BEAUCE; SYNE1-Related Autosomal Recessive Cerebellar Ataxia; SYNE1 Deficiency. Identifiers: Orphanet 88644, MedGen C1853116, MONDO:0012549, OMIM 610743.
Emery-Dreifuss muscular dystrophy 4, autosomal dominant (EDMD4). Also called: EMERY-DREIFUSS MUSCULAR DYSTROPHY 4 WITH VARIABLE FEATURES. Identifiers: Orphanet 261, MedGen C2751807, MONDO:0013071, OMIM 612998.
Neurodevelopmental abnormality. Identifiers: MedGen C4022737, HP:0012759.

gnomAD v4.1: 1 of 1,613,844 alleles (0.000062%); highest among the groups gnomAD compares: Non-Finnish European, 0.000085%; no homozygotes.

Submissions (2):

Labcorp Genetics (formerly Invitae), Labcorp
Classification: Uncertain significance for Emery-Dreifuss muscular dystrophy 4, autosomal dominant; Autosomal recessive ataxia, Beauce type. Last evaluated: 2023-07-17. Review status: criteria provided, single submitter. Criteria: Invitae Variant Classification Sherloc (09022015). Collection method: clinical testing. Allele origin: germline.
Comment: In summary, the available evidence is currently insufficient to determine the role of this variant in disease. Therefore, it has been classified as a Variant of Uncertain Significance. An algorithm developed to predict the effect of missense changes on protein structure and function (PolyPhen-2) suggests that this variant is likely to be disruptive. ClinVar contains an entry for this variant (Variation ID: 984605). This variant has not been reported in the literature in individuals affected with SYNE1-related conditions. This variant is not present in population databases (gnomAD no frequency). This sequence change replaces glutamine, which is neutral and polar, with glutamic acid, which is acidic and polar, at codon 7277 of the SYNE1 protein (p.Gln7277Glu).

Department of Genetics, Rouen University Hospital, Normandy Center for Genomic and Personalized Medicine
Classification: Likely benign for Neurodevelopmental abnormality. Last evaluated: 2020-04-03. Review status: no assertion criteria provided. Collection method: clinical testing. Allele origin: maternal. Affected: yes. Not counted in ClinVar's aggregate classification.